The following is an entry in ClinVar:

ClinVar aggregate classification (germline): Likely benign (1 of 4 stars; one submission).

Conditions:
PTPRJ-related disorder. Also called: PTPRJ-related condition.

Submission:

PreventionGenetics, part of Exact Sciences
Classification: Likely benign for PTPRJ-related condition. Last evaluated: 2026-05-11. Review status: criteria provided, single submitter. Criteria: ACMG Guidelines, 2015. Collection method: clinical testing. Allele origin: germline.
Comment: This variant is classified as likely benign based on ACMG/AMP sequence variant interpretation guidelines (Richards et al. 2015 PMID: 25741868, with internal and published modifications).

NM_002843.4(PTPRJ):c.1530C>T (p.Phe510=)

Gene: PTPRJ (protein tyrosine phosphatase receptor type J; plus strand). Cytogenetic location: 11p11.2.
Variant type: single nucleotide variant.
Coding change: c.1530C>T on transcript NM_002843.4 (MANE Select); coding-DNA position 1530, C replaced by T.
Protein change: p.Phe510=; no amino-acid change (phenylalanine 510 retained).
Molecular consequence: synonymous variant.
Genome position (GRCh38, 1-based): chr11:48,130,631, C>T. VCF-style: chr11-48130631-C-T. GRCh37 (hg19) VCF-style: chr11-48152183-C-T.
Other names: c.1530C>T, p.Phe510= (NM_001098503.2).
Identifiers: ClinVar variation 4980813 (VCV004980813.1).